The following is an entry in ClinVar:

NM_020066.5(FMN2):c.3138A>C (p.Pro1046=)

Gene: FMN2 (formin 2; plus strand). Cytogenetic location: 1q43.
Variant type: single nucleotide variant.
Coding change: c.3138A>C on transcript NM_020066.5 (MANE Select); coding-DNA position 3138, A replaced by C.
Protein change: p.Pro1046=; no amino-acid change (proline 1046 retained).
Molecular consequence: synonymous variant. On other transcripts: intron variant (1).
Genome position (GRCh38, 1-based): chr1:240,207,950, A>C. VCF-style: chr1-240207950-A-C. GRCh37 (hg19) VCF-style: chr1-240371250-A-C.
Other names: c.3150A>C, p.Pro1050= (NM_001305424.2); c.1986+19688A>C (NM_001348094.2).
Identifiers: ClinVar variation 3341673 (VCV003341673.16).

ClinVar aggregate classification (germline): Likely benign (1 of 4 stars; one submission).

Submission:

CeGaT Center for Human Genetics Tuebingen
Classification: Likely benign. Last evaluated: 2025-03-01. Review status: criteria provided, single submitter. Criteria: CeGaT Center For Human Genetics Tuebingen Variant Classification Criteria Version 2. Collection method: clinical testing. Allele origin: germline. Affected: yes. Observed: 2 variant alleles.
Comment: FMN2: BP4, BP7